The following is an entry in ClinVar:

ClinVar aggregate classification (germline): Uncertain significance (1 of 4 stars; one submission).

Conditions:
COL4A6-related disorder. Also called: COL4A6-related condition.

gnomAD v4.1: 5 of 1,206,288 alleles (0.00041%); highest among the groups gnomAD compares: South Asian, 0.0018%; no homozygotes.

Submission:

PreventionGenetics, part of Exact Sciences
Classification: Uncertain significance for COL4A6-related condition. Last evaluated: 2025-04-19. Review status: criteria provided, single submitter. Criteria: ACMG Guidelines, 2015. Collection method: clinical testing. Allele origin: germline.
Comment: The COL4A6 c.358C>T variant is predicted to result in the amino acid substitution p.Pro120Ser. To our knowledge, this variant has not been reported in the literature or in a large population database (gnomAD), indicating this variant is rare. At this time, the clinical significance of this variant is uncertain due to the absence of conclusive functional and genetic evidence.

NM_033641.4(COL4A6):c.355C>T (p.Pro119Ser)

Gene: COL4A6 (collagen type IV alpha 6 chain; minus strand). Cytogenetic location: Xq22.3.
Variant type: single nucleotide variant.
Coding change: c.355C>T on transcript NM_033641.4 (MANE Select); coding-DNA position 355, C replaced by T.
Protein change: p.Pro119Ser; replaces proline 119 with serine.
Molecular consequence: missense variant.
Genome position (GRCh38, 1-based): chrX:108,214,198, G>A on the plus strand (C>T on the coding strand, the complement: COL4A6 is on the minus strand). VCF-style: chrX-108214198-G-A. GRCh37 (hg19) VCF-style: chrX-107457428-G-A.
Other names: c.355C>T, p.Pro119Ser (NM_001287758.2, NM_001287759.2, NM_001287760.2 and 1 more transcripts); c.358C>T, p.Pro120Ser (NM_001440759.1, NM_001847.4); short protein forms P119S, P120S.
Identifiers: ClinVar variation 4986471 (VCV004986471.1).
Genomic context (GRCh38, chrX:108,214,198, plus strand): 5'-CATCAGGGCCTGGAAATCCAACAGCTCCTTGAGTTCCATTACAGCCATCCAGACCAGGTG[G>A]GCCTCTGGGGCCTGGTTGTCCAGGGTGGCCCTGTTCAAAGAGAAAAGAAGGGATCAAGTT-3'
Protein context (NP_378667.1, residues 109-129): GHPGQPGPRG[Pro119Ser]PGLDGCNGTQ